The following is an entry in ClinVar:

ClinVar aggregate classification (germline): Benign/Likely benign. Review status: criteria provided, multiple submitters, no conflicts (2 of 4 stars). 3 submissions from 3 submitters: Benign (1); Likely benign (2). Last evaluated 2026-02-01.

Allele frequency attached by ClinVar (database versions not stated): TOPMed 0.00031; ESP Exome Variant Server 0.00038; gnomAD exomes 0.00087 and 0.00144; gnomAD 0.00101 and 0.00116; ExAC 0.00150; 1000 Genomes Project 30x 0.00203; 1000 Genomes Project 0.00260.
gnomAD v4.1: 1,436 of 1,614,192 alleles (0.089%); highest among the groups gnomAD compares: South Asian, 0.57%; 13 homozygotes.

Submissions (3):

CeGaT Center for Human Genetics Tuebingen
Classification: Likely benign. Last evaluated: 2026-02-01. Review status: criteria provided, single submitter. Criteria: CeGaT Center For Human Genetics Tuebingen Variant Classification Criteria Version 2. Collection method: clinical testing. Allele origin: germline. Affected: yes. Observed: 8 variant alleles.
Comment: CHD4: BP4, BP7, BS1

Labcorp Genetics (formerly Invitae), Labcorp
Classification: Benign. Last evaluated: 2025-10-21. Review status: criteria provided, single submitter. Criteria: Invitae Variant Classification Sherloc (09022015). Collection method: clinical testing. Allele origin: germline.

Blueprint Genetics
Classification: Likely benign. Last evaluated: 2024-11-20. Review status: criteria provided, single submitter. Criteria: ACMG Guidelines, 2015. Collection method: clinical testing. Allele origin: germline.

NM_001273.5(CHD4):c.2238C>T (p.Asp746=)

Gene: CHD4 (chromodomain helicase DNA binding protein 4; minus strand). Cytogenetic location: 12p13.31.
Variant type: single nucleotide variant.
Coding change: c.2238C>T on transcript NM_001273.5 (MANE Select); coding-DNA position 2238, C replaced by T.
Protein change: p.Asp746=; no amino-acid change (aspartic acid 746 retained).
Molecular consequence: synonymous variant.
Genome position (GRCh38, 1-based): chr12:6,594,534, G>A on the plus strand (C>T on the coding strand, the complement: CHD4 is on the minus strand). VCF-style: chr12-6594534-G-A. GRCh37 (hg19) VCF-style: chr12-6703700-G-A.
Other names: c.2217C>T, p.Asp739= (NM_001297553.2); c.2199C>T, p.Asp733= (NM_001363606.2).
Identifiers: ClinVar variation 736489 (VCV000736489.36), dbSNP rs141301378, ClinGen allele CA6412018.